The following is an entry in ClinVar:

NM_014384.3(ACAD8):c.784G>A (p.Glu262Lys)

Gene: ACAD8 (acyl-CoA dehydrogenase family member 8; plus strand). Cytogenetic location: 11q25.
Variant type: single nucleotide variant.
Coding change: c.784G>A on transcript NM_014384.3 (MANE Select); coding-DNA position 784, G replaced by A.
Protein change: p.Glu262Lys; replaces glutamic acid 262 with lysine.
Molecular consequence: missense variant.
Genome position (GRCh38, 1-based): chr11:134,261,122, G>A. VCF-style: chr11-134261122-G-A. GRCh37 (hg19) VCF-style: chr11-134131016-G-A.
Identifiers: ClinVar variation 95591 (VCV000095591.18), dbSNP rs368653287, ClinGen allele CA223131.

ClinVar aggregate classification (germline): Conflicting classifications of pathogenicity. Review status: criteria provided, conflicting classifications (1 of 4 stars). 4 submissions from 4 submitters: Pathogenic (1); Likely pathogenic (1); Uncertain significance (2). Last evaluated 2025-03-05.

Conditions:
Deficiency of isobutyryl-CoA dehydrogenase. Also called: ACYL-CoA DEHYDROGENASE FAMILY, MEMBER 8, DEFICIENCY OF; ACAD8 DEFICIENCY; IBD DEFICIENCY. Identifiers: Orphanet 79159, MedGen C1969809, MONDO:0012648, OMIM 611283.

Allele frequency attached by ClinVar (database versions not stated): gnomAD 0.00016 and 0.00015; ExAC 0.00005; ESP Exome Variant Server 0.00008; TOPMed 0.00014; gnomAD exomes 0.00004.
gnomAD v4.1: 80 of 1,611,788 alleles (0.005%); highest among the groups gnomAD compares: African/African-American, 0.056%; no homozygotes.

Submissions (4):

Labcorp Genetics (formerly Invitae), Labcorp
Classification: Pathogenic for Deficiency of isobutyryl-CoA dehydrogenase. Last evaluated: 2025-03-05. Review status: criteria provided, single submitter. Criteria: Invitae Variant Classification Sherloc (09022015). Collection method: clinical testing. Allele origin: germline.
Comment: This sequence change replaces glutamic acid, which is acidic and polar, with lysine, which is basic and polar, at codon 262 of the ACAD8 protein (p.Glu262Lys). This variant is present in population databases (rs368653287, gnomAD 0.05%). This missense change has been observed in individual(s) with clinical features of isobutyryl-CoA dehydrogenase deficiency (PMID: 31813752; internal data). In at least one individual the data is consistent with being in trans (on the opposite chromosome) from a pathogenic variant. ClinVar contains an entry for this variant (Variation ID: 95591). Invitae Evidence Modeling of protein sequence and biophysical properties (such as structural, functional, and spatial information, amino acid conservation, physicochemical variation, residue mobility, and thermodynamic stability) has been performed for this missense variant. However, the output from this modeling did not meet the statistical confidence thresholds required to predict the impact of this variant on ACAD8 protein function. For these reasons, this variant has been classified as Pathogenic.

Clinical Genomics Laboratory, Washington University in St. Louis
Classification: Likely pathogenic for Deficiency of isobutyryl-CoA dehydrogenase. Last evaluated: 2025-02-28. Review status: criteria provided, single submitter. Criteria: ACMG Guidelines, 2015. Collection method: clinical testing. Allele origin: germline. Affected: yes.
Comment: The ACAD8 c.784G>A (p.Glu262Lys) variant has been reported in two individuals affected with Isobutyryl-CoA dehydrogenase deficiency who were compound heterozygous for the variant and a variant of uncertain significance confirmed in trans (Sadat R et al., PMID: 31813752). This variant has been reported in the ClinVar database as a variant of uncertain significance by two submitters and as a pathogenic variant by one submitter (Variation ID: 95591). The highest population minor allele frequency in the population database genome aggregation database (v.4.1) is 0.0561% in the African population. Computational predictors indicate that the variant is damaging, evidence that correlates with impact to ACAD8 function. Based on available information and the ACMG/AMP guidelines for variant interpretation (Richards S et al., PMID: 25741868), this variant is classified as likely pathogenic.

Eurofins Ntd Llc (ga)
Classification: Uncertain significance. Last evaluated: 2013-03-08. Review status: criteria provided, single submitter. Criteria: EGL Classification Definitions 2015. Collection method: clinical testing. Allele origin: germline. Observed: 2 variant alleles, 2 heterozygotes.

Breakthrough Genomics
Classification: Uncertain significance. Review status: criteria provided, single submitter. Criteria: ACMG Guidelines, 2015. Collection method: not provided. Allele origin: germline. Inheritance: Autosomal recessive inheritance. Affected: yes.

Literature cited by the submitters: PubMed 31813752 (cited by Labcorp Genetics (formerly Invitae), Labcorp).